The following is an entry in ClinVar:

NM_017763.6(RNF43):c.1890C>T (p.Ser630=)

Gene: RNF43 (ring finger protein 43; minus strand). Cytogenetic location: 17q22.
Variant type: single nucleotide variant.
Coding change: c.1890C>T on transcript NM_017763.6 (MANE Select); coding-DNA position 1890, C replaced by T.
Protein change: p.Ser630=; no amino-acid change (serine 630 retained).
Molecular consequence: synonymous variant.
Genome position (GRCh38, 1-based): chr17:58,357,886, G>A on the plus strand (C>T on the coding strand, the complement: RNF43 is on the minus strand). VCF-style: chr17-58357886-G-A. GRCh37 (hg19) VCF-style: chr17-56435247-G-A.
Other names: c.1890C>T, p.Ser630= (NM_001305544.3); c.1509C>T, p.Ser503= (NM_001305545.2).
Identifiers: ClinVar variation 3946881 (VCV003946881.2).
Genomic context (GRCh38, chr17:58,357,886, plus strand): 5'-TCGGGCAGAGAGGCTGGATTTTTGCAAGTTGAACAGACTGCTGGTACTGGGGCAGATGCT[G>A]GAGGCGTCAACTGGGCCAGGGGCTGGCTCAGGGAGGGCCCTGGGGCACTGTGGGTTAGAG-3'
Protein context (NP_060233.3, residues 620-640): PEPAPGPVDA[Ser630=]SICPSTSSLF

ClinVar aggregate classification (germline): Benign/Likely benign. Review status: criteria provided, multiple submitters, no conflicts (2 of 4 stars). 2 submissions from 2 submitters: Benign (1); Likely benign (1). Last evaluated 2026-07-02.

Conditions:
Sessile serrated polyposis cancer syndrome (SSPCS). Identifiers: Orphanet 157798, MedGen C4310714, MONDO:0014919, OMIM 617108.

Submissions (2):

Myriad Genetics, Inc.
Classification: Benign for Sessile serrated polyposis cancer syndrome. Last evaluated: 2026-07-02. Review status: criteria provided, single submitter. Criteria: Myriad Autosomal Dominant, Autosomal Recessive and X-Linked Classification Criteria (2023). Collection method: clinical testing. Allele origin: unknown.
Comment: This variant is considered benign. This variant is a silent/synonymous amino acid change and it is not expected to impact splicing.

Ambry Genetics
Classification: Likely benign. Last evaluated: 2025-05-05. Review status: criteria provided, single submitter. Criteria: Ambry Variant Classification Scheme 2023. Collection method: clinical testing. Allele origin: germline.